The following is an entry in ClinVar:

NM_018127.7(ELAC2):c.225C>A (p.Tyr75Ter)

Gene: ELAC2 (elaC ribonuclease Z 2; minus strand). Cytogenetic location: 17p12.
Variant type: single nucleotide variant.
Coding change: c.225C>A on transcript NM_018127.7 (MANE Select); coding-DNA position 225, C replaced by A.
Protein change: p.Tyr75Ter; replaces tyrosine 75 with a stop codon.
Molecular consequence: nonsense.
Genome position (GRCh38, 1-based): chr17:13,017,723, G>T on the plus strand (C>A on the coding strand, the complement: ELAC2 is on the minus strand). VCF-style: chr17-13017723-G-T. GRCh37 (hg19) VCF-style: chr17-12921040-G-T.
Other names: c.225C>A (NM_018127.6); c.225C>A, p.Tyr75Ter (NM_001165962.2, NM_173717.2); short protein forms Y75*.
Identifiers: ClinVar variation 3383145 (VCV003383145.5).

ClinVar aggregate classification (germline): Pathogenic/Likely pathogenic. Review status: criteria provided, multiple submitters, no conflicts (2 of 4 stars). 3 submissions from 3 submitters: Pathogenic (1); Likely pathogenic (2). Last evaluated 2026-07-31.

Conditions:
Combined oxidative phosphorylation defect type 17. Also called: Combined oxidative phosphorylation deficiency 17. Identifiers: Orphanet 369913, MedGen C3809526, MONDO:0014190, OMIM 615440.
ELAC2-related disorder. Also called: ELAC2-related condition.
Prostate cancer, hereditary, 2 (HPC2). Identifiers: Orphanet 1331, MedGen C3539120, MONDO:0013872, OMIM 614731.

gnomAD v4.1: 1 of 1,612,868 alleles (0.000062%); highest among the groups gnomAD compares: Non-Finnish European, 0.000085%; no homozygotes.

Submissions (3):

PreventionGenetics, part of Exact Sciences
Classification: Likely pathogenic for ELAC2-related condition. Last evaluated: 2026-07-31. Review status: criteria provided, single submitter. Criteria: ACMG Guidelines, 2015. Collection method: clinical testing. Allele origin: germline.
Comment: The ELAC2 c.225C>A variant is predicted to result in premature protein termination (p.Tyr75*). A variant with the same protein effect (c.225C>G) was reported in the compound heterozygous state in an individual with pseudohypoaldosteronism (Mendes et al. 2022. PubMed ID: 35946480). This variant is reported in 0.0056% of alleles in individuals of East Asian descent in gnomAD. Nonsense variants in ELAC2 are expected to be pathogenic. This variant is interpreted as likely pathogenic.

Labcorp Genetics (formerly Invitae), Labcorp
Classification: Pathogenic for Combined oxidative phosphorylation defect type 17. Last evaluated: 2024-10-07. Review status: criteria provided, single submitter. Criteria: Invitae Variant Classification Sherloc (09022015). Collection method: clinical testing. Allele origin: germline.
Comment: This sequence change creates a premature translational stop signal (p.Tyr75*) in the ELAC2 gene. It is expected to result in an absent or disrupted protein product. Loss-of-function variants in ELAC2 are known to be pathogenic (PMID: 27769300, 31045291). The frequency data for this variant in the population databases is considered unreliable, as metrics indicate poor data quality at this position in the gnomAD database. This premature translational stop signal has been observed in individual(s) with clinical features of combined oxidative phosphorylation deficiency (PMID: 35946480). Algorithms developed to predict the effect of sequence changes on RNA splicing suggest that this variant may disrupt the consensus splice site. For these reasons, this variant has been classified as Pathogenic.

Juno Genomics, Hangzhou Juno Genomics, Inc
Classification: Likely pathogenic for Prostate cancer, hereditary, 2; Combined oxidative phosphorylation defect type 17. Review status: criteria provided, single submitter. Criteria: ACMG Guidelines, 2015. Collection method: clinical testing. Allele origin: germline. Affected: yes.
Comment: Absent from controls (or at extremely low frequency if recessive) in Genome Aggregation Database, Exome Sequencing Project, 1000 Genomes Project, or Exome Aggregation Consortium.;Null variant in a gene where loss of function (LOF) is a known mechanism of disease.

Literature cited by the submitters: PubMed 27769300 (cited by Labcorp Genetics (formerly Invitae), Labcorp); PubMed 31045291 (cited by Labcorp Genetics (formerly Invitae), Labcorp); PubMed 35946480 (cited by Labcorp Genetics (formerly Invitae), Labcorp).